The following is an entry in ClinVar:

NM_004104.5(FASN):c.3748G>A (p.Gly1250Ser)

Gene: FASN (fatty acid synthase; minus strand). Cytogenetic location: 17q25.3.
Variant type: single nucleotide variant.
Coding change: c.3748G>A on transcript NM_004104.5 (MANE Select); coding-DNA position 3748, G replaced by A.
Protein change: p.Gly1250Ser; replaces glycine 1250 with serine.
Molecular consequence: missense variant.
Genome position (GRCh38, 1-based): chr17:82,085,856, C>T on the plus strand (G>A on the coding strand, the complement: FASN is on the minus strand). VCF-style: chr17-82085856-C-T. GRCh37 (hg19) VCF-style: chr17-80043732-C-T.
Other names: short protein forms G1250S.
Identifiers: ClinVar variation 658187 (VCV000658187.8), dbSNP rs868514644, ClinGen allele CA401550400.

ClinVar aggregate classification (germline): Uncertain significance (1 of 4 stars; one submission).

Conditions:
Epileptic encephalopathy. Identifiers: MedGen C0543888, HP:0200134.

Allele frequency attached by ClinVar (database versions not stated): TOPMed 0.00001.
gnomAD v4.1: 6 of 1,547,324 alleles (0.00039%); highest among the groups gnomAD compares: Middle Eastern, 0.018%; no homozygotes.

Submission:

Labcorp Genetics (formerly Invitae), Labcorp
Classification: Uncertain significance for Epileptic encephalopathy. Last evaluated: 2020-09-15. Review status: criteria provided, single submitter. Criteria: Invitae Variant Classification Sherloc (09022015). Collection method: clinical testing. Allele origin: germline.
Comment: In summary, the available evidence is currently insufficient to determine the role of this variant in disease. Therefore, it has been classified as a Variant of Uncertain Significance. Algorithms developed to predict the effect of sequence changes on RNA splicing suggest that this variant may create or strengthen a splice site, but this prediction has not been confirmed by published transcriptional studies. Algorithms developed to predict the effect of missense changes on protein structure and function (SIFT, PolyPhen-2, Align-GVGD) all suggest that this variant is likely to be tolerated, but these predictions have not been confirmed by published functional studies and their clinical significance is uncertain. This variant has not been reported in the literature in individuals with FASN-related conditions. ClinVar contains an entry for this variant (Variation ID: 658187). The frequency data for this variant in the population databases is considered unreliable, as metrics indicate insufficient coverage at this position in the ExAC database. This sequence change replaces glycine with serine at codon 1250 of the FASN protein (p.Gly1250Ser). The glycine residue is highly conserved and there is a small physicochemical difference between glycine and serine.